The following is an entry in ClinVar:

ClinVar aggregate classification (germline): Conflicting classifications of pathogenicity. Review status: criteria provided, conflicting classifications (1 of 4 stars). 6 submissions from 6 submitters: Uncertain significance (1); Likely benign (4). 1 of the submissions does not count toward it. Last evaluated 2026-01-05.

Conditions:
RAI1-related disorder. Also called: RAI1-related condition.
Inborn genetic diseases. Identifiers: MedGen C0950123, MeSH D030342.

Allele frequency attached by ClinVar (database versions not stated): TOPMed 0.00011; ESP Exome Variant Server 0.00015; gnomAD 0.00017; gnomAD exomes 0.00024; ExAC 0.00046.
gnomAD v4.1: 236 of 1,597,582 alleles (0.015%); highest among the groups gnomAD compares: Non-Finnish European, 0.014%; no homozygotes.

Submissions (6):

Labcorp Genetics (formerly Invitae), Labcorp
Classification: Likely benign. Last evaluated: 2026-01-05. Review status: criteria provided, single submitter. Criteria: Invitae Variant Classification Sherloc (09022015). Collection method: clinical testing. Allele origin: germline.

Blueprint Genetics
Classification: Likely benign. Last evaluated: 2024-11-19. Review status: criteria provided, single submitter. Criteria: ACMG Guidelines, 2015. Collection method: clinical testing. Allele origin: germline.

CeGaT Center for Human Genetics Tuebingen
Classification: Likely benign. Last evaluated: 2024-07-01. Review status: criteria provided, single submitter. Criteria: CeGaT Center For Human Genetics Tuebingen Variant Classification Criteria Version 2. Collection method: clinical testing. Allele origin: germline. Affected: yes. Observed: 1 variant allele.
Comment: RAI1: BP4, BP7

Ambry Genetics
Classification: Likely benign for Inborn genetic diseases. Last evaluated: 2018-01-08. Review status: criteria provided, single submitter. Criteria: Ambry Variant Classification Scheme 2023. Collection method: clinical testing. Allele origin: germline.

Eurofins Ntd Llc (ga)
Classification: Uncertain significance. Last evaluated: 2015-03-03. Review status: criteria provided, single submitter. Criteria: EGL Classification Definitions 2015. Collection method: clinical testing. Allele origin: germline. Observed: 1 variant allele, 1 heterozygote.

PreventionGenetics, part of Exact Sciences
Classification: Likely benign for RAI1-related condition. Last evaluated: 2023-10-16. Review status: no assertion criteria provided. Collection method: clinical testing. Allele origin: germline. Not counted in ClinVar's aggregate classification.
Comment: This variant is classified as likely benign based on ACMG/AMP sequence variant interpretation guidelines (Richards et al. 2015 PMID: 25741868, with internal and published modifications).

NM_030665.4(RAI1):c.5379C>T (p.Gly1793=)

Gene: RAI1 (retinoic acid induced 1; plus strand). Cytogenetic location: 17p11.2.
Variant type: single nucleotide variant.
Coding change: c.5379C>T on transcript NM_030665.4 (MANE Select); coding-DNA position 5379, C replaced by T.
Protein change: p.Gly1793=; no amino-acid change (glycine 1793 retained).
Molecular consequence: synonymous variant.
Genome position (GRCh38, 1-based): chr17:17,798,327, C>T. VCF-style: chr17-17798327-C-T. GRCh37 (hg19) VCF-style: chr17-17701641-C-T.
Identifiers: ClinVar variation 196539 (VCV000196539.34), dbSNP rs372539998, ClinGen allele CA243524.